The following is an entry in ClinVar:

NM_001386140.1(MTTP):c.95G>A (p.Arg32Gln)

Gene: MTTP (microsomal triglyceride transfer protein; plus strand). Cytogenetic location: 4q23.
Variant type: single nucleotide variant.
Coding change: c.95G>A on transcript NM_001386140.1 (MANE Select); coding-DNA position 95, G replaced by A.
Protein change: p.Arg32Gln; replaces arginine 32 with glutamine.
Molecular consequence: missense variant. On other transcripts: 5 prime UTR variant (1).
Genome position (GRCh38, 1-based): chr4:99,581,938, G>A. VCF-style: chr4-99581938-G-A. GRCh37 (hg19) VCF-style: chr4-100503095-G-A.
Other names: c.95G>A, p.Arg32Gln (NM_000253.4); c.-155G>A (NM_001300785.2); short protein forms R32Q.
Identifiers: ClinVar variation 733342 (VCV000733342.14), dbSNP rs199537553, ClinGen allele CA3021742.

ClinVar aggregate classification (germline): Benign/Likely benign. Review status: criteria provided, multiple submitters, no conflicts (2 of 4 stars). 4 submissions from 4 submitters: Benign (1); Likely benign (1). 2 of the submissions do not count toward it. Last evaluated 2026-01-26.

Conditions:
MTTP-related disorder. Also called: MTTP-related condition.
Abetalipoproteinaemia (ABL). Also called: Abetalipoproteinemia; Abetalipoproteinemia neuropathy; Apolipoprotein B deficiency; Congenital betalipoprotein deficiency syndrome; MTP DEFICIENCY. Identifiers: Orphanet 14, MedGen C0000744, MONDO:0008692, OMIM 200100, HP:0008181.

Allele frequency attached by ClinVar (database versions not stated): gnomAD 0.00010 and 0.00031; TOPMed 0.00014; gnomAD exomes 0.00036 and 0.00068; ExAC 0.00076; 1000 Genomes Project 0.00100; 1000 Genomes Project 30x 0.00125.
gnomAD v4.1: 575 of 1,614,080 alleles (0.036%); highest among the groups gnomAD compares: South Asian, 0.55%; 4 homozygotes.

Submissions (4):

Labcorp Genetics (formerly Invitae), Labcorp
Classification: Benign. Last evaluated: 2026-01-26. Review status: criteria provided, single submitter. Criteria: Invitae Variant Classification Sherloc (09022015). Collection method: clinical testing. Allele origin: germline.

Blueprint Genetics
Classification: Likely benign. Last evaluated: 2024-10-25. Review status: criteria provided, single submitter. Criteria: ACMG Guidelines, 2015. Collection method: clinical testing. Allele origin: germline.

Natera, Inc.
Classification: Benign for Abetalipoproteinemia. Last evaluated: 2020-01-03. Review status: no assertion criteria provided. Collection method: clinical testing. Allele origin: germline. Not counted in ClinVar's aggregate classification.

PreventionGenetics, part of Exact Sciences
Classification: Likely benign for MTTP-related condition. Last evaluated: 2019-06-27. Review status: no assertion criteria provided. Collection method: clinical testing. Allele origin: germline. Not counted in ClinVar's aggregate classification.
Comment: This variant is classified as likely benign based on ACMG/AMP sequence variant interpretation guidelines (Richards et al. 2015 PMID: 25741868, with internal and published modifications).